The following is an entry in ClinVar:

ClinVar aggregate classification (germline): Likely benign. Review status: criteria provided, multiple submitters, no conflicts (2 of 4 stars). 2 submissions from 2 submitters: Likely benign (2). Last evaluated 2025-04-03.

Conditions:
KIF22-related disorder. Also called: KIF22-related condition.

Allele frequency attached by ClinVar (database versions not stated): ExAC 0.00007.
gnomAD v4.1: 190 of 1,613,998 alleles (0.012%); highest among the groups gnomAD compares: Non-Finnish European, 0.015%; no homozygotes.

Submissions (2):

Labcorp Genetics (formerly Invitae), Labcorp
Classification: Likely benign. Last evaluated: 2025-04-03. Review status: criteria provided, single submitter. Criteria: Invitae Variant Classification Sherloc (09022015). Collection method: clinical testing. Allele origin: germline.

PreventionGenetics, part of Exact Sciences
Classification: Likely benign for KIF22-related condition. Last evaluated: 2024-12-18. Review status: criteria provided, single submitter. Criteria: ACMG Guidelines, 2015. Collection method: clinical testing. Allele origin: germline.
Comment: This variant is classified as likely benign based on ACMG/AMP sequence variant interpretation guidelines (Richards et al. 2015 PMID: 25741868, with internal and published modifications).

NM_007317.3(KIF22):c.1959C>T (p.Ile653=)

Gene: KIF22 (kinesin family member 22; plus strand). Cytogenetic location: 16p11.2.
Variant type: single nucleotide variant.
Coding change: c.1959C>T on transcript NM_007317.3 (MANE Select); coding-DNA position 1959, C replaced by T.
Protein change: p.Ile653=; no amino-acid change (isoleucine 653 retained).
Molecular consequence: synonymous variant.
Genome position (GRCh38, 1-based): chr16:29,805,271, C>T. VCF-style: chr16-29805271-C-T. GRCh37 (hg19) VCF-style: chr16-29816592-C-T.
Other names: c.1755C>T, p.Ile585= (NM_001256269.2, NM_001256270.1); c.1959C>T (NM_007317.2).
Identifiers: ClinVar variation 1605992 (VCV001605992.9), dbSNP rs777294785, ClinGen allele CA7993558.